The following is an entry in ClinVar:

NM_001098201.3(GPER1):c.47C>T (p.Pro16Leu)

Genes: CHLSN (cholesin; minus strand), GPER1 (G protein-coupled estrogen receptor 1; plus strand). Cytogenetic location: 7p22.3.
Variant type: single nucleotide variant.
Coding change: c.47C>T on transcript NM_001098201.3 (MANE Select); coding-DNA position 47, C replaced by T.
Protein change: p.Pro16Leu; replaces proline 16 with leucine.
Molecular consequence: missense variant. On other transcripts: intron variant (7).
Genome position (GRCh38, 1-based): chr7:1,091,775, C>T. VCF-style: chr7-1091775-C-T. GRCh37 (hg19) VCF-style: chr7-1131411-C-T.
Other names: c.47C>T, p.Pro16Leu (NM_001039966.2, NM_001505.3); c.129+35482G>A (NM_001424326.1, NM_001424325.1, NM_001134396.1 and 4 more transcripts); short protein forms P16L.
Identifiers: ClinVar variation 1248609 (VCV001248609.2), dbSNP rs11544331, ClinGen allele CA4115498.

ClinVar aggregate classification (germline): Benign (1 of 4 stars; one submission).

Allele frequency attached by ClinVar (database versions not stated): gnomAD exomes 0.20688 and 0.22832; ExAC 0.21328; 1000 Genomes Project 0.13898; 1000 Genomes Project 30x 0.14366; TOPMed 0.19183; gnomAD 0.19407 and 0.19474; ESP Exome Variant Server 0.20094.
gnomAD v4.1: 352,954 of 1,570,012 alleles (22%); highest among the groups gnomAD compares: Middle Eastern, 32%; 41,862 homozygotes.

Submission:

GeneDx
Classification: Benign. Last evaluated: 2020-04-28. Review status: criteria provided, single submitter. Criteria: GeneDx Variant Classification Process June 2021. Collection method: clinical testing. Allele origin: germline. Affected: yes.
Comment: This variant is associated with the following publications: (PMID: 31748686)